The following is an entry in ClinVar:

ClinVar aggregate classification (germline): Benign/Likely benign. Review status: criteria provided, multiple submitters, no conflicts (2 of 4 stars). 3 submissions from 3 submitters: Benign (1); Likely benign (2). Last evaluated 2025-04-23.

Conditions:
Infantile-onset X-linked spinal muscular atrophy. Also called: SPINAL MUSCULAR ATROPHY, X-LINKED LETHAL INFANTILE; AMC, DISTAL, X-LINKED; ARTHROGRYPOSIS, X-LINKED, TYPE I; Spinal Muscular Atrophy, X-Linked Infantile; Spinal muscular atrophy, X-linked 2. Identifiers: Orphanet 1145, MedGen C1844934, MONDO:0010532, OMIM 301830.

Allele frequency attached by ClinVar (database versions not stated): gnomAD exomes 0.00001; ExAC 0.00002; TOPMed 0.00003; gnomAD 0.00004.
gnomAD v4.1: 18 of 1,210,255 alleles (0.0015%); highest among the groups gnomAD compares: Middle Eastern, 0.023%; no homozygotes.

Submissions (3):

Labcorp Genetics (formerly Invitae), Labcorp
Classification: Benign for Infantile-onset X-linked spinal muscular atrophy. Last evaluated: 2025-04-23. Review status: criteria provided, single submitter. Criteria: Invitae Variant Classification Sherloc (09022015). Collection method: clinical testing. Allele origin: germline.

Blueprint Genetics
Classification: Likely benign. Last evaluated: 2023-05-24. Review status: criteria provided, single submitter. Criteria: ACMG Guidelines, 2015. Collection method: clinical testing. Allele origin: germline.

GeneDx
Classification: Likely benign. Last evaluated: 2017-07-24. Review status: criteria provided, single submitter. Criteria: GeneDx Variant Classification (06012015). Collection method: clinical testing. Allele origin: germline. Affected: yes.
Comment: This variant is considered likely benign or benign based on one or more of the following criteria: it is a conservative change, it occurs at a poorly conserved position in the protein, it is predicted to be benign by multiple in silico algorithms, and/or has population frequency not consistent with disease.

NM_003334.4(UBA1):c.3123C>T (p.Asn1041=)

Gene: UBA1 (ubiquitin like modifier activating enzyme 1; plus strand). Cytogenetic location: Xp11.3.
Variant type: single nucleotide variant.
Coding change: c.3123C>T on transcript NM_003334.4 (MANE Select); coding-DNA position 3123, C replaced by T.
Protein change: p.Asn1041=; no amino-acid change (asparagine 1041 retained).
Molecular consequence: synonymous variant.
Genome position (GRCh38, 1-based): chrX:47,214,875, C>T. VCF-style: chrX-47214875-C-T. GRCh37 (hg19) VCF-style: chrX-47074274-C-T.
Other names: c.3123C>T, p.Asn1041= (NM_153280.3).
Identifiers: ClinVar variation 510962 (VCV000510962.12), dbSNP rs781864389, ClinGen allele CA10396272.
Genomic context (GRCh38, chrX:47,214,875, plus strand): 5'-TGTGTCGAAGCGAAAGCTGGGCCGCCACGTGCGGGCGCTGGTGCTTGAGCTGTGCTGTAA[C>T]GACGAGAGCGGCGAGGATGTCGAGGTTCCCTATGTCCGATACACCATCCGCTGACCCCGT-3'
Protein context (NP_003325.2, residues 1031-1051): VRALVLELCC[Asn1041=]DESGEDVEVP